The following is an entry in ClinVar:

NM_002206.3(ITGA7):c.2670del (p.Gln891fs)

Gene: ITGA7 (integrin subunit alpha 7; minus strand). Cytogenetic location: 12q13.2.
Variant type: Deletion.
Coding change: c.2670del on transcript NM_002206.3 (MANE Select); coding-DNA position 2670, one base deleted (G; older notation c.2670delG).
Protein change: p.Gln891fs; shifts the reading frame from glutamine 891.
Molecular consequence: frameshift variant.
Genome position (GRCh38, 1-based): chr12:55,693,183, C deleted on the plus strand (G on the coding strand, the reverse complement: ITGA7 is on the minus strand); the first of 3 consecutive C bases (chr12:55,693,183-55,693,185); deleting any one gives the same sequence. VCF-style (leftmost placement, unchanged base first): chr12-55693182-GC-G. GRCh37 (hg19) VCF-style: chr12-56086966-GC-G.
Other names: c.2800delG, p.Gln935Argfs (NM_001410977.1); c.2662delG, p.Gln889Argfs (NM_001414029.1); c.2593delG, p.Gln866Argfs (NM_001414030.1); c.2581delG, p.Gln862Argfs (NM_001414031.1); c.2548delG, p.Gln851Argfs (NM_001414032.1); c.2485delG, p.Gln830Argfs (NM_001414033.1); c.2443delG, p.Gln816Argfs (NM_001414034.1); c.2329delG, p.Gln778Argfs (NM_001414035.1); and 5 more; short protein forms Q443fs, Q782fs, Q798fs, Q885fs, Q891fs, Q895fs.
Identifiers: ClinVar variation 2415506 (VCV002415506.6), dbSNP rs2539707454, ClinGen allele CA2580086502.
Genomic context (GRCh38, chr12:55,693,182, plus strand): 5'-ACCCCCACCTAAGCCTCACCAGGTGGAGGATGTTGGGCCTGGGAGAGCAAAGCCCTTTCT[GC>G]CCAGGCCCCTGCCCGCCCTCCAGCTCAACCTGCATTGGGTACAGCAACCACTTCCCATTG-3'

ClinVar aggregate classification (germline): Pathogenic (1 of 4 stars; one submission).

Conditions:
Congenital muscular dystrophy due to integrin alpha-7 deficiency. Also called: Congenital muscular dystrophy with integrin alpha-7 deficiency; Muscular dystrophy, congenital, due to ITGA7 deficiency; MYOPATHY, CONGENITAL, DUE TO INTEGRIN ALPHA-7 DEFICIENCY. Identifiers: Orphanet 34520, MedGen C2750786, MONDO:0013177, OMIM 613204.

Submission:

Labcorp Genetics (formerly Invitae), Labcorp
Classification: Pathogenic for Congenital muscular dystrophy due to integrin alpha-7 deficiency. Last evaluated: 2022-08-22. Review status: criteria provided, single submitter. Criteria: Invitae Variant Classification Sherloc (09022015). Collection method: clinical testing. Allele origin: germline.
Comment: This variant has not been reported in the literature in individuals affected with ITGA7-related conditions. For these reasons, this variant has been classified as Pathogenic. This variant is not present in population databases (gnomAD no frequency). This sequence change creates a premature translational stop signal (p.Gln891Argfs*101) in the ITGA7 gene. It is expected to result in an absent or disrupted protein product. Loss-of-function variants in ITGA7 are known to be pathogenic (PMID: 9590299).

Literature cited by the submitters: PubMed 9590299.